The following is an entry in ClinVar:

ClinVar aggregate classification (germline): Uncertain significance. Review status: criteria provided, multiple submitters, no conflicts (2 of 4 stars). 2 submissions from 2 submitters: Uncertain significance (2). Last evaluated 2023-04-04.

Conditions:
Nemaline myopathy 2 (NEM2). Also called: Nemaline myopathy 2, autosomal recessive. Identifiers: MedGen C1850569, MONDO:0009725, OMIM 256030.

Allele frequency attached by ClinVar (database versions not stated): gnomAD 0.00001 and 0.00003; TOPMed 0.00002; ExAC 0.00003; gnomAD exomes 0.00004.
gnomAD v4.1: 37 of 1,600,802 alleles (0.0023%); highest among the groups gnomAD compares: Admixed American, 0.017%; no homozygotes.

Submissions (2):

Women's Health and Genetics/Laboratory Corporation of America, LabCorp
Classification: Uncertain significance. Last evaluated: 2023-04-04. Review status: criteria provided, single submitter. Criteria: LabCorp Variant Classification Summary - May 2015. Collection method: clinical testing. Allele origin: germline.

Labcorp Genetics (formerly Invitae), Labcorp
Classification: Uncertain significance for Nemaline myopathy 2. Last evaluated: 2022-08-23. Review status: criteria provided, single submitter. Criteria: Invitae Variant Classification Sherloc (09022015). Collection method: clinical testing. Allele origin: germline.
Comment: This sequence change falls in intron 122 of the NEB gene. It does not directly change the encoded amino acid sequence of the NEB protein. It affects a nucleotide within the consensus splice site. This variant is present in population databases (rs778716460, gnomAD 0.02%). This variant has not been reported in the literature in individuals affected with NEB-related conditions. ClinVar contains an entry for this variant (Variation ID: 1411480). Variants that disrupt the consensus splice site are a relatively common cause of aberrant splicing (PMID: 17576681, 9536098). Algorithms developed to predict the effect of sequence changes on RNA splicing suggest that this variant may disrupt the consensus splice site. In summary, the available evidence is currently insufficient to determine the role of this variant in disease. Therefore, it has been classified as a Variant of Uncertain Significance.

Literature cited by the submitters: PubMed 17576681 (cited by Labcorp Genetics (formerly Invitae), Labcorp); PubMed 9536098 (cited by Labcorp Genetics (formerly Invitae), Labcorp).

NM_001164508.2(NEB):c.19101+4C>T

Gene: NEB (nebulin; minus strand). Cytogenetic location: 2q23.3.
Variant type: single nucleotide variant.
Coding change: c.19101+4C>T on transcript NM_001164508.2 (MANE Select); 4 bases into the intron after coding-DNA position 19101, C replaced by T.
Molecular consequence: intron variant.
Genome position (GRCh38, 1-based): chr2:151,561,204, G>A on the plus strand (C>T on the coding strand, the complement: NEB is on the minus strand). VCF-style: chr2-151561204-G-A. GRCh37 (hg19) VCF-style: chr2-152417718-G-A.
Other names: c.13998+4C>T (NM_004543.5); c.19101+4C>T (NM_001164507.2, NM_001271208.2, NM_001271208.1).
Identifiers: ClinVar variation 1411480 (VCV001411480.3), dbSNP rs778716460, ClinGen allele CA1907772.